The following is an entry in ClinVar:

ClinVar aggregate classification (germline): Pathogenic (1 of 4 stars; one submission).

Conditions:
Glycogen storage disease type III (GSD3). Also called: FORBES DISEASE; Cori disease. Identifiers: Orphanet 366, MedGen C0017922, MONDO:0009291, OMIM 232400.

Submission:

Labcorp Genetics (formerly Invitae), Labcorp
Classification: Pathogenic for Glycogen storage disease type III. Last evaluated: 2022-02-28. Review status: criteria provided, single submitter. Criteria: Invitae Variant Classification Sherloc (09022015). Collection method: clinical testing. Allele origin: germline.
Comment: For these reasons, this variant has been classified as Pathogenic. This variant has not been reported in the literature in individuals affected with AGL-related conditions. This variant is not present in population databases (gnomAD no frequency). This sequence change creates a premature translational stop signal (p.Leu1417*) in the AGL gene. It is expected to result in an absent or disrupted protein product. Loss-of-function variants in AGL are known to be pathogenic (PMID: 19299494).

Literature cited by the submitters: PubMed 19299494.

NM_000642.3(AGL):c.4250T>A (p.Leu1417Ter)

Gene: AGL (amylo-alpha-1,6-glucosidase and 4-alpha-glucanotransferase; plus strand). Cytogenetic location: 1p21.2.
Variant type: single nucleotide variant.
Coding change: c.4250T>A on transcript NM_000642.3 (MANE Select); coding-DNA position 4250, T replaced by A.
Protein change: p.Leu1417Ter; replaces leucine 1417 with a stop codon.
Molecular consequence: nonsense.
Genome position (GRCh38, 1-based): chr1:99,915,477, T>A. VCF-style: chr1-99915477-T-A. GRCh37 (hg19) VCF-style: chr1-100381033-T-A.
Other names: c.3872T>A, p.Leu1291Ter (NM_001425332.1); c.4250T>A, p.Leu1417Ter (NM_000644.3, NM_001425325.1, NM_000028.3 and 1 more transcripts); c.4202T>A, p.Leu1401Ter (NM_000646.3); c.4229T>A, p.Leu1410Ter (NM_001425326.1); c.4049T>A, p.Leu1350Ter (NM_001425327.1); c.4046T>A, p.Leu1349Ter (NM_001425328.1); c.3911T>A, p.Leu1304Ter (NM_001425329.1); short protein forms L1417*, L1401*, L1291*, L1304*, L1349*, L1350*, L1410*.
Identifiers: ClinVar variation 2104577 (VCV002104577.4), dbSNP rs1655047525, ClinGen allele CA341341489.
Genomic context (GRCh38, chr1:99,915,477, plus strand): 5'-CATGGAAAGCTTTGGAGATTGCAGAAAAAAAATTGCTTGGTCCCCTTGGCATGAAAACTT[T>A]AGATCCAGAGTAAGTTGGAATATAAGTATTAAGAATGTTATCATATTTAATCCAAATACA-3'